The following is an entry in ClinVar:

NM_000140.5(FECH):c.707G>A (p.Cys236Tyr)

Gene: FECH (ferrochelatase; minus strand). Cytogenetic location: 18q21.31.
Variant type: single nucleotide variant.
Coding change: c.707G>A on transcript NM_000140.5 (MANE Select); coding-DNA position 707, G replaced by A.
Protein change: p.Cys236Tyr; replaces cysteine 236 with tyrosine.
Molecular consequence: missense variant. On other transcripts: intron variant (1).
Genome position (GRCh38, 1-based): chr18:57,559,242, C>T on the plus strand (G>A on the coding strand, the complement: FECH is on the minus strand). VCF-style: chr18-57559242-C-T. GRCh37 (hg19) VCF-style: chr18-55226474-C-T.
Other names: c.725G>A, p.Cys242Tyr (NM_001012515.4); c.491G>A, p.Cys164Tyr (NM_001371095.1); c.707G>A, p.Cys236Tyr (NM_001374778.1); c.705+3632G>A (NM_001371094.1); short protein forms C236Y, C242Y, C164Y.
Identifiers: ClinVar variation 3723160 (VCV003723160.2).
Genomic context (GRCh38, chr18:57,559,242, plus strand): 5'-ACCTCGCTTCTCTTCTCAAGTGGAAAATGGTCCAGTTCCTTTAGAATATGATCTGCAAAG[C>T]ACTGAGTGAGTAACAAGAAAGGAGGATAAAGAGGAAGGGAAGAAAGAAATGGAAGGAAAA-3'
Protein context (NP_000131.2, residues 226-246): RWPTHHLLIQ[Cys236Tyr]FADHILKELD

ClinVar aggregate classification (germline): Likely pathogenic (1 of 4 stars; one submission).

gnomAD v4.1: 25 of 1,598,058 alleles (0.0016%); highest among the groups gnomAD compares: Non-Finnish European, 0.002%; no homozygotes.

Submission:

Labcorp Genetics (formerly Invitae), Labcorp
Classification: Likely pathogenic. Last evaluated: 2024-12-18. Review status: criteria provided, single submitter. Criteria: Invitae Variant Classification Sherloc (09022015). Collection method: clinical testing. Allele origin: germline.
Comment: This sequence change replaces cysteine, which is neutral and slightly polar, with tyrosine, which is neutral and polar, at codon 236 of the FECH protein (p.Cys236Tyr). This variant is present in population databases (rs761962617, gnomAD 0.0009%). This missense change has been observed in individual(s) with erythropoietic protoporphyria (PMID: 15286165, 18787536). Invitae Evidence Modeling of protein sequence and biophysical properties (such as structural, functional, and spatial information, amino acid conservation, physicochemical variation, residue mobility, and thermodynamic stability) indicates that this missense variant is expected to disrupt FECH protein function with a positive predictive value of 80%. Experimental studies have shown that this missense change affects FECH function (PMID: 15286165). In summary, the currently available evidence indicates that the variant is pathogenic, but additional data are needed to prove that conclusively. Therefore, this variant has been classified as Likely Pathogenic.

Literature cited by the submitters: PubMed 15286165; PubMed 18787536.